The following is an entry in ClinVar:

NM_019594.4(LRRC8A):c.1009A>G (p.Met337Val)

Gene: LRRC8A (leucine rich repeat containing 8 VRAC subunit A; plus strand). Cytogenetic location: 9q34.11.
Variant type: single nucleotide variant.
Coding change: c.1009A>G on transcript NM_019594.4 (MANE Select); coding-DNA position 1009, A replaced by G.
Protein change: p.Met337Val; replaces methionine 337 with valine.
Molecular consequence: missense variant.
Genome position (GRCh38, 1-based): chr9:128,908,173, A>G. VCF-style: chr9-128908173-A-G. GRCh37 (hg19) VCF-style: chr9-131670452-A-G.
Other names: c.1009A>G, p.Met337Val (NM_001127244.2, NM_001127245.2); c.1009A>G (NM_001127244.1); short protein forms M337V.
Identifiers: ClinVar variation 1495578 (VCV001495578.9), dbSNP rs748930999, ClinGen allele CA5270817.

ClinVar aggregate classification (germline): Uncertain significance. Review status: criteria provided, multiple submitters, no conflicts (2 of 4 stars). 2 submissions from 2 submitters: Uncertain significance (2). Last evaluated 2024-09-11.

Allele frequency attached by ClinVar (database versions not stated): ExAC 0.00001; gnomAD exomes 0.00001 and 0.00002.
gnomAD v4.1: 4 of 1,614,004 alleles (0.00025%); highest among the groups gnomAD compares: Admixed American, 0.0067%; no homozygotes.

Submissions (2):

Ambry Genetics
Classification: Uncertain significance. Last evaluated: 2024-09-11. Review status: criteria provided, single submitter. Criteria: Ambry Variant Classification Scheme 2023. Collection method: clinical testing. Allele origin: germline.

Labcorp Genetics (formerly Invitae), Labcorp
Classification: Uncertain significance. Last evaluated: 2021-05-10. Review status: criteria provided, single submitter. Criteria: Invitae Variant Classification Sherloc (09022015). Collection method: clinical testing. Allele origin: germline.
Comment: This sequence change replaces methionine with valine at codon 337 of the LRRC8A protein (p.Met337Val). The methionine residue is moderately conserved and there is a small physicochemical difference between methionine and valine. This variant is present in population databases (rs748930999, ExAC 0.009%). This variant has not been reported in the literature in individuals with LRRC8A-related conditions. Algorithms developed to predict the effect of missense changes on protein structure and function output the following: SIFT: "Tolerated"; PolyPhen-2: "Benign"; Align-GVGD: "Class C0". The valine amino acid residue is found in multiple mammalian species, suggesting that this missense change does not adversely affect protein function. These predictions have not been confirmed by published functional studies and their clinical significance is uncertain. In summary, the available evidence is currently insufficient to determine the role of this variant in disease. Therefore, it has been classified as a Variant of Uncertain Significance.